The following is an entry in ClinVar:

ClinVar aggregate classification (germline): Conflicting classifications of pathogenicity. Review status: criteria provided, conflicting classifications (1 of 4 stars). 3 submissions from 3 submitters: Uncertain significance (2); Likely benign (1). Last evaluated 2025-10-08.

Conditions:
Charcot-Marie-Tooth disease dominant intermediate B (CMTDIB). Also called: Charcot-Marie-Tooth disease dominant intermediate 1; CMT DI1; Charcot-Marie-Tooth disease dominant intermediate I; CHARCOT-MARIE-TOOTH NEUROPATHY, DOMINANT INTERMEDIATE B. Identifiers: Orphanet 100044, Orphanet 228179, MedGen C1847902, MONDO:0011674, OMIM 606482.

Allele frequency attached by ClinVar (database versions not stated): ExAC 0.00001; gnomAD 0.00001; gnomAD exomes 0.00001; TOPMed 0.00001.
gnomAD v4.1: 15 of 1,613,972 alleles (0.00093%); highest among the groups gnomAD compares: African/African-American, 0.0013%; no homozygotes.

Submissions (3):

Labcorp Genetics (formerly Invitae), Labcorp
Classification: Likely benign for Charcot-Marie-Tooth disease dominant intermediate B. Last evaluated: 2025-10-08. Review status: criteria provided, single submitter. Criteria: Invitae Variant Classification Sherloc (09022015). Collection method: clinical testing. Allele origin: germline.

Revvity Omics, Revvity
Classification: Uncertain significance. Last evaluated: 2021-10-25. Review status: criteria provided, single submitter. Criteria: ACMG Guidelines, 2015. Collection method: clinical testing. Allele origin: germline.

GeneDx
Classification: Uncertain significance. Last evaluated: 2019-05-01. Review status: criteria provided, single submitter. Criteria: GeneDx Variant Classification Process June 2021. Collection method: clinical testing. Allele origin: germline. Affected: yes.
Comment: The majority of missense variants in this gene are considered pathogenic (Stenson et al., 2014); In silico analysis, which includes protein predictors and evolutionary conservation, supports that this variant does not alter protein structure/function; Has not been previously published as pathogenic or benign to our knowledge

NM_001005361.3(DNM2):c.1907A>G (p.Asp636Gly)

Gene: DNM2 (dynamin 2; plus strand). Cytogenetic location: 19p13.2.
Variant type: single nucleotide variant.
Coding change: c.1907A>G on transcript NM_001005361.3 (MANE Select); coding-DNA position 1907, A replaced by G.
Protein change: p.Asp636Gly; replaces aspartic acid 636 with glycine.
Molecular consequence: missense variant.
Genome position (GRCh38, 1-based): chr19:10,825,070, A>G. VCF-style: chr19-10825070-A-G. GRCh37 (hg19) VCF-style: chr19-10935746-A-G.
Other names: c.1907A>G, p.Asp636Gly (NM_001005360.3, NM_001190716.2); c.1895A>G, p.Asp632Gly (NM_001005362.3, NM_004945.4); short protein forms D632G, D636G.
Identifiers: ClinVar variation 957879 (VCV000957879.11), dbSNP rs749994173, ClinGen allele CA9201449.